The following is an entry in ClinVar:

ClinVar aggregate classification (germline): Benign/Likely benign. Review status: criteria provided, multiple submitters, no conflicts (2 of 4 stars). 3 submissions from 3 submitters: Benign (1); Likely benign (1). 1 of the submissions does not count toward it. Last evaluated 2025-12-03.

Conditions:
MRPS22-related disorder. Also called: MRPS22-related condition.

Allele frequency attached by ClinVar (database versions not stated): gnomAD exomes 0.00049; ExAC 0.00062; 1000 Genomes Project 30x 0.00141; 1000 Genomes Project 0.00160; ESP Exome Variant Server 0.00185; TOPMed 0.00226.
gnomAD v4.1: 566 of 1,614,158 alleles (0.035%); highest among the groups gnomAD compares: African/African-American, 0.69%; 3 homozygotes.

Submissions (3):

Labcorp Genetics (formerly Invitae), Labcorp
Classification: Benign. Last evaluated: 2025-12-03. Review status: criteria provided, single submitter. Criteria: Invitae Variant Classification Sherloc (09022015). Collection method: clinical testing. Allele origin: germline.

GeneDx
Classification: Likely benign. Last evaluated: 2021-05-28. Review status: criteria provided, single submitter. Criteria: GeneDx Variant Classification Process June 2021. Collection method: clinical testing. Allele origin: germline. Affected: yes.

PreventionGenetics, part of Exact Sciences
Classification: Likely benign for MRPS22-related condition. Last evaluated: 2019-09-26. Review status: no assertion criteria provided. Collection method: clinical testing. Allele origin: germline. Not counted in ClinVar's aggregate classification.
Comment: This variant is classified as likely benign based on ACMG/AMP sequence variant interpretation guidelines (Richards et al. 2015 PMID: 25741868, with internal and published modifications).

NM_020191.4(MRPS22):c.27G>C (p.Leu9Phe)

Gene: MRPS22 (mitochondrial ribosomal protein S22; plus strand). Cytogenetic location: 3q23.
Variant type: single nucleotide variant.
Coding change: c.27G>C on transcript NM_020191.4 (MANE Select); coding-DNA position 27, G replaced by C.
Protein change: p.Leu9Phe; replaces leucine 9 with phenylalanine.
Molecular consequence: missense variant.
Genome position (GRCh38, 1-based): chr3:139,344,053, G>C. VCF-style: chr3-139344053-G-C. GRCh37 (hg19) VCF-style: chr3-139062895-G-C.
Other names: c.27G>C, p.Leu9Phe (NM_001363893.1); short protein forms L9F.
Identifiers: ClinVar variation 714207 (VCV000714207.14), dbSNP rs148997212, ClinGen allele CA2640592.
Genomic context (GRCh38, chr3:139,344,053, plus strand): 5'-CAACCACTTCCGGCGCAAGTGGCTTCTGATAATCATGGCGCCCCTCGGAACAACTGTATT[G>C]CTGTGGAGCCTCTTGAGGAGTTCTCCGGGCGTGGAACGGGTCTGTTTCCGGGCTCGAATC-3'
Protein context (NP_064576.1, residues 1-19): MAPLGTTV[Leu9Phe]LWSLLRSSPG